The following is an entry in ClinVar:

NM_001267550.2(TTN):c.105800_105801del (p.Thr35267fs)

Genes: TTN (titin; minus strand), TTN-AS1 (TTN antisense RNA 1; plus strand), LOC129935183 (ATAC-STARR-seq lymphoblastoid active region 16808; plus strand). Cytogenetic location: 2q31.2.
Variant type: Microsatellite.
Coding change: c.105800_105801del on transcript NM_001267550.2 (MANE Select); coding-DNA positions 105800 to 105801, 2 bases deleted (CA; older notation c.105800_105801delCA).
Protein change: p.Thr35267fs; shifts the reading frame from threonine 35267.
Molecular consequence: frameshift variant.
Genome position (GRCh38, 1-based): chr2:178,530,814-178,530,815, TG deleted on the plus strand (CA on the coding strand, the reverse complement: TTN is on the minus strand); deleting any 2 consecutive bases within chr2:178,530,814-178,530,817 gives the same sequence; the c. name uses the placement nearest the transcript's 3' end. VCF-style (leftmost placement, unchanged base first): chr2-178530813-CTG-C. GRCh37 (hg19) VCF-style: chr2-179395540-CTG-C.
Other names: c.100877_100878del, p.Thr33626fs (NM_001256850.1); c.78605_78606del, p.Thr26202fs (NM_003319.4); c.98096_98097del, p.Thr32699fs (NM_133378.4); c.78980_78981del, p.Thr26327fs (NM_133432.3); c.79181_79182del, p.Thr26394fs (NM_133437.4); short protein forms T26202fs, T26327fs, T26394fs, T32699fs, T33626fs, T35267fs.
Identifiers: ClinVar variation 4531785 (VCV004531785.1).
Genomic context (GRCh38, chr2:178,530,813, plus strand): 5'-TCTTTGGTGGGGCAGAGACTGGGAGGTGCTGAACTTTCTCTGTTGGTGTTGGTTTTGTCT[CTG>C]TGGGTGATACGGCTTTCGGGTGAGAAGGTTCTGGAGATTTCACTCGTTTTGGAGACTTAA-3'

ClinVar aggregate classification (germline): Likely pathogenic (1 of 4 stars; one submission).

Conditions:
Dilated cardiomyopathy 1G (CMD1G). Identifiers: Orphanet 154, MedGen C1858763, MONDO:0011400, OMIM 604145.

Submission:

Victorian Clinical Genetics Services, Murdoch Childrens Research Institute
Classification: Likely pathogenic for Dilated cardiomyopathy 1G. Last evaluated: 2025-09-01. Review status: criteria provided, single submitter. Criteria: ACMG Guidelines, 2015. Collection method: clinical testing. Allele origin: germline. Affected: yes.
Comment: This variant is classified as Likely pathogenic. Evidence in support of pathogenic classification: Variant is predicted to cause nonsense-mediated decay (NMD) and loss of protein (premature termination codon is located at least 54 nucleotides upstream of the final exon-exon junction); Variant is present in gnomAD <0.01 (v4: 1 heterozygote(s), 0 homozygote(s)); This variant has limited previous evidence of pathogenicity in unrelated individual(s). This variant has been reported in a compound heterozygous state with another frameshift variant in an infant with congenital titinopathy, it was maternally inherited but no phenotypic information for the mother was provided (PMID: 31353864). Other NMD-predicted variants comparable to the one identified in this case have strong previous evidence for pathogenicity (ClinVar). Additional information: This variant is heterozygous; This gene is associated with both recessive and dominant disease (OMIM); Variant is located in the annotated M-band and the exon has a PSI score of 100% (PMID: 25589632); Loss of function is a known mechanism of disease in this gene. In addition, dominant negative is also a suggested mechanism. (PMID: 25589632); The condition associated with this gene has incomplete penetrance. Variants in this gene that result in a premature termination codon (PTC) are known to have reduced penetrance in DCM (PMID: 25589632); Inheritance information for this variant is not currently available in this individual.

Literature cited by the submitters: PubMed 31353864; PubMed 34302607; PubMed 25589632.